The following is an entry in ClinVar:

NM_005476.7(GNE):c.317T>C (p.Ile106Thr)

Gene: GNE (glucosamine (UDP-N-acetyl)-2-epimerase/N-acetylmannosamine kinase; minus strand). Cytogenetic location: 9p13.3.
Variant type: single nucleotide variant.
Coding change: c.317T>C on transcript NM_005476.7 (MANE Select); coding-DNA position 317, T replaced by C.
Protein change: p.Ile106Thr; replaces isoleucine 106 with threonine.
Molecular consequence: missense variant.
Genome position (GRCh38, 1-based): chr9:36,246,330, A>G on the plus strand (T>C on the coding strand, the complement: GNE is on the minus strand). VCF-style: chr9-36246330-A-G. GRCh37 (hg19) VCF-style: chr9-36246327-A-G.
Other names: c.410T>C, p.Ile137Thr (NM_001128227.3); c.317T>C, p.Ile106Thr (NM_001190383.3, NM_001374797.1); c.140T>C, p.Ile47Thr (NM_001190384.3, NM_001190388.2, NM_001374798.1); c.410T>C (NM_001128227.2); short protein forms I137T, I106T, I47T.
Identifiers: ClinVar variation 288301 (VCV000288301.10), dbSNP rs773920008, ClinGen allele CA5056733.

ClinVar aggregate classification (germline): Uncertain significance. Review status: criteria provided, multiple submitters, no conflicts (2 of 4 stars). 4 submissions from 4 submitters: Uncertain significance (4). Last evaluated 2025-12-28.

Conditions:
Sialuria. Also called: Sialic Acid Storage Disease; SIALURIA, FRENCH TYPE. Identifiers: Orphanet 3166, MedGen C0342853, MONDO:0010028, OMIM 269921.
GNE myopathy (NM). Also called: NONAKA DISTAL MYOPATHY; IBM 2; Inclusion body myopathy autosomal recessive; Inclusion body myopathy quadriceps sparing; INCLUSION BODY MYOPATHY, HEREDITARY, AUTOSOMAL RECESSIVE; INCLUSION BODY MYOPATHY 2, AUTOSOMAL RECESSIVE. Identifiers: Orphanet 602, MedGen C1853926, MONDO:0011603, OMIM 605820.

Allele frequency attached by ClinVar (database versions not stated): gnomAD exomes below 0.00001; ExAC 0.00001.

Submissions (4):

Labcorp Genetics (formerly Invitae), Labcorp
Classification: Uncertain significance for Sialuria; GNE myopathy. Last evaluated: 2025-12-28. Review status: criteria provided, single submitter. Criteria: Invitae Variant Classification Sherloc (09022015). Collection method: clinical testing. Allele origin: germline.
Comment: This sequence change replaces isoleucine, which is neutral and non-polar, with threonine, which is neutral and polar, at codon 137 of the GNE protein (p.Ile137Thr). This variant is present in population databases (rs773920008, gnomAD 0.003%). This missense change has been observed in individuals with autosomal recessive GNE-related myopathy (PMID: 21868336, 24027297). This variant is also known as c.317T>C, p.I106T. ClinVar contains an entry for this variant (Variation ID: 288301). Invitae Evidence Modeling of protein sequence and biophysical properties (such as structural, functional, and spatial information, amino acid conservation, physicochemical variation, residue mobility, and thermodynamic stability) has been performed for this missense variant. However, the output from this modeling did not meet the statistical confidence thresholds required to predict the impact of this variant on GNE protein function. This variant disrupts the p.Ile137 amino acid residue in GNE. Other variant(s) that disrupt this residue have been observed in individuals with GNE-related conditions (PMID: 30390020), which suggests that this may be a clinically significant amino acid residue. In summary, the available evidence is currently insufficient to determine the role of this variant in disease. Therefore, it has been classified as a Variant of Uncertain Significance.

Women's Health and Genetics/Laboratory Corporation of America, LabCorp
Classification: Uncertain significance. Last evaluated: 2023-04-29. Review status: criteria provided, single submitter. Criteria: LabCorp Variant Classification Summary - May 2015. Collection method: clinical testing. Allele origin: germline.
Comment: Variant summary: GNE c.410T>C (p.Ile137Thr) results in a non-conservative amino acid change located in the UDP-N-acetylglucosamine 2-epimerase domain (IPR003331) of the encoded protein sequence. Four of five in-silico tools predict a damaging effect of the variant on protein function. The variant allele was found at a frequency of 4e-06 in 251294 control chromosomes. The available data on variant occurrences in the general population are insufficient to allow any conclusion about variant significance. c.410T>C has been reported in the literature as a compound heterozygous genotype with another pathogenic variant in at-least one individual affected with GNE myopathy (example, Lv_2022, overlapping with Lu_2011 and Lu_2011). These data do not allow any conclusion about variant significance. To our knowledge, no experimental evidence demonstrating an impact on protein function has been reported. The following publications have been ascertained in the context of this evaluation (PMID: 26980148, 24027297, 21868336, 22196754, 35138478). Two clinical diagnostic laboratories have submitted clinical-significance assessments for this variant to ClinVar after 2014 without evidence for independent evaluation. All laboratories classified the variant as uncertain significance. Based on the evidence outlined above, the variant was classified as uncertain significance.

Revvity Omics, Revvity
Classification: Uncertain significance. Last evaluated: 2022-06-25. Review status: criteria provided, single submitter. Criteria: ACMG Guidelines, 2015. Collection method: clinical testing. Allele origin: germline.

Eurofins Ntd Llc (ga)
Classification: Uncertain significance. Last evaluated: 2016-06-22. Review status: criteria provided, single submitter. Criteria: EGL Classification Definitions 2015. Collection method: clinical testing. Allele origin: germline. Observed: 1 variant allele, 1 heterozygote.

Literature cited by the submitters: PubMed 21868336 (cited by Labcorp Genetics (formerly Invitae), Labcorp and Women's Health and Genetics/Laboratory Corporation of America, LabCorp); PubMed 24027297 (cited by Labcorp Genetics (formerly Invitae), Labcorp and Women's Health and Genetics/Laboratory Corporation of America, LabCorp); PubMed 30390020 (cited by Labcorp Genetics (formerly Invitae), Labcorp); PubMed 26980148 (cited by Women's Health and Genetics/Laboratory Corporation of America, LabCorp); PubMed 22196754 (cited by Women's Health and Genetics/Laboratory Corporation of America, LabCorp); PubMed 35138478 (cited by Women's Health and Genetics/Laboratory Corporation of America, LabCorp).